The following is an entry in ClinVar:

NM_016239.4(MYO15A):c.3692+1G>A

Gene: MYO15A (myosin XVA; plus strand). Cytogenetic location: 17p11.2.
Variant type: single nucleotide variant.
Coding change: c.3692+1G>A on transcript NM_016239.4 (MANE Select); the canonical splice donor site of the intron after coding-DNA position 3692, G replaced by A.
Molecular consequence: splice donor variant.
Genome position (GRCh38, 1-based): chr17:18,124,566, G>A. VCF-style: chr17-18124566-G-A. GRCh37 (hg19) VCF-style: chr17-18027880-G-A.
Identifiers: ClinVar variation 3601320 (VCV003601320.1).

ClinVar aggregate classification (germline): Pathogenic (1 of 4 stars; one submission).

Conditions:
Autosomal recessive nonsyndromic hearing loss 3. Also called: NEUROSENSORY NONSYNDROMIC RECESSIVE DEAFNESS 3. Identifiers: Orphanet 90636, MedGen C1838263, MONDO:0010860, OMIM 600316.

gnomAD v4.1: 2 of 1,613,094 alleles (0.00012%); highest among the groups gnomAD compares: Non-Finnish European, 0.00017%; no homozygotes.

Submission:

Institute of Rare Diseases, West China Hospital, Sichuan University
Classification: Pathogenic for Autosomal recessive nonsyndromic hearing loss 3. Last evaluated: 2025-01-09. Review status: criteria provided, single submitter. Criteria: ClinGen HL ACMG Specifications v1. Collection method: research. Allele origin: germline. Affected: yes.
Comment: PVS1;PM3;PM2_Supporting